The following is an entry in ClinVar:

ClinVar aggregate classification (germline): Uncertain significance (1 of 4 stars; one submission).

Conditions:
Osteogenesis imperfecta type I (OI1). Also called: Lobstein's Disease; Lobstein disease; OI, TYPE I; OSTEOGENESIS IMPERFECTA TARDA; OSTEOGENESIS IMPERFECTA WITH BLUE SCLERAE; Osteogenesis imperfecta type 1. Identifiers: Orphanet 216796, Orphanet 666, MedGen C0023931, MONDO:0008146, OMIM 166200. Disease mechanism: loss of function.

Allele frequency attached by ClinVar (database versions not stated): gnomAD exomes below 0.00001.
gnomAD v4.1: 1 of 1,612,244 alleles (0.000062%); highest among the groups gnomAD compares: Non-Finnish European, 0.000085%; no homozygotes.

Submission:

Labcorp Genetics (formerly Invitae), Labcorp
Classification: Uncertain significance for Osteogenesis imperfecta type I. Last evaluated: 2023-08-07. Review status: criteria provided, single submitter. Criteria: Invitae Variant Classification Sherloc (09022015). Collection method: clinical testing. Allele origin: germline.
Comment: This variant has not been reported in the literature in individuals affected with COL1A1-related conditions. Algorithms developed to predict the effect of sequence changes on RNA splicing suggest that this variant may create or strengthen a splice site. In summary, the available evidence is currently insufficient to determine the role of this variant in disease. Therefore, it has been classified as a Variant of Uncertain Significance. This variant is not present in population databases (gnomAD no frequency). This sequence change falls in intron 6 of the COL1A1 gene. It does not directly change the encoded amino acid sequence of the COL1A1 protein.

NM_000088.4(COL1A1):c.543+15G>A

Gene: COL1A1 (collagen type I alpha 1 chain; minus strand). Cytogenetic location: 17q21.33.
Variant type: single nucleotide variant.
Coding change: c.543+15G>A on transcript NM_000088.4 (MANE Select); 15 bases into the intron after coding-DNA position 543, G replaced by A.
Molecular consequence: intron variant.
Genome position (GRCh38, 1-based): chr17:50,198,418, C>T on the plus strand (G>A on the coding strand, the complement: COL1A1 is on the minus strand). VCF-style: chr17-50198418-C-T. GRCh37 (hg19) VCF-style: chr17-48275779-C-T.
Identifiers: ClinVar variation 2744516 (VCV002744516.3), dbSNP rs2509249422, ClinGen allele CA2638679749.
Genomic context (GRCh38, chr17:50,198,418, plus strand): 5'-TACCAGCCGCCTATGCCCACCTCCTCTGGATACCCATTCTCTCTTCTGTCATCCATGCTC[C>T]CCCTGCTGGCTCACCATGGGGCCAGGCACGGAAATTCCTCCGGTTGATTTCTCATCATAG-3'